The following is an entry in ClinVar:

NM_000318.3(PEX2):c.549dup (p.Cys184fs)

Gene: PEX2 (peroxisomal biogenesis factor 2; minus strand). Cytogenetic location: 8q21.13.
Variant type: Duplication.
Coding change: c.549dup on transcript NM_000318.3 (MANE Select); coding-DNA position 549, one base duplicated (A; older notation c.549dupA).
Protein change: p.Cys184fs; shifts the reading frame from cysteine 184.
Molecular consequence: frameshift variant.
Genome position (GRCh38, 1-based): chr8:76,983,630, T duplicated on the plus strand (A on the coding strand, the reverse complement: PEX2 is on the minus strand). VCF-style (leftmost placement, unchanged base first): chr8-76983629-A-AT. GRCh37 (hg19) VCF-style: chr8-77895865-A-AT.
Other names: c.549dup, p.Cys184fs (NM_001079867.2, NM_001172086.2, NM_001172087.2); short protein forms C184fs.
Identifiers: ClinVar variation 4818160 (VCV004818160.1).

ClinVar aggregate classification (germline): Likely pathogenic (1 of 4 stars; one submission).

Conditions:
Zellweger spectrum disorders (ZS). Also called: Zellweger Spectrum Disorder (ZSD); Zellweger syndrome; Zellweger Spectrum Disorder; Zellweger Spectrum. Identifiers: Orphanet 912, MedGen C0043459, MONDO:0019609.

Submission:

Natera, Inc.
Classification: Likely pathogenic for Zellweger syndrome. Last evaluated: 2024-12-04. Review status: criteria provided, single submitter. Criteria: Natera Variant Classification Schema (03/2026). Collection method: clinical testing. Allele origin: germline.
Comment: The c.550delinsAC variant in PEX2 is a frameshift variant predicted to shift the reading frame beginning at codon 184 and leads to a stop codon 2 codons downstream. This variant is expected to result in nonsense mediated decay, truncation, or a dysfunctional protein product. This variant is rare in the general population with a frequency below the threshold expected for the associated phenotype(s). Given the available evidence, this variant is classified as Likely Pathogenic.